The following is an entry in ClinVar:

ClinVar aggregate classification (germline): Uncertain significance (1 of 4 stars; one submission).

Allele frequency attached by ClinVar (database versions not stated): gnomAD exomes 0.00001; TOPMed 0.00001; gnomAD 0.00002.

Submission:

Labcorp Genetics (formerly Invitae), Labcorp
Classification: Uncertain significance. Last evaluated: 2020-12-10. Review status: criteria provided, single submitter. Criteria: Invitae Variant Classification Sherloc (09022015). Collection method: clinical testing. Allele origin: germline.
Comment: In summary, the available evidence is currently insufficient to determine the role of this variant in disease. Therefore, it has been classified as a Variant of Uncertain Significance. Algorithms developed to predict the effect of missense changes on protein structure and function are either unavailable or do not agree on the potential impact of this missense change (SIFT: "Deleterious"; PolyPhen-2: "Possibly Damaging"; Align-GVGD: "Class C0"). This variant has not been reported in the literature in individuals with SAMD11-related conditions. This variant is not present in population databases (ExAC no frequency). This sequence change replaces arginine with tryptophan at codon 563 of the SAMD11 protein (p.Arg563Trp). The arginine residue is weakly conserved and there is a moderate physicochemical difference between arginine and tryptophan.

NM_001385641.1(SAMD11):c.2176C>T (p.Arg726Trp)

Gene: SAMD11 (sterile alpha motif domain containing 11; plus strand). Cytogenetic location: 1p36.33.
Variant type: single nucleotide variant.
Coding change: c.2176C>T on transcript NM_001385641.1 (MANE Select); coding-DNA position 2176, C replaced by T.
Protein change: p.Arg726Trp; replaces arginine 726 with tryptophan.
Molecular consequence: missense variant.
Genome position (GRCh38, 1-based): chr1:943,375, C>T. VCF-style: chr1-943375-C-T. GRCh37 (hg19) VCF-style: chr1-878755-C-T.
Other names: c.2179C>T, p.Arg727Trp (NM_001385640.1); c.1687C>T, p.Arg563Trp (NM_152486.4); short protein forms R726W, R563W, R727W.
Identifiers: ClinVar variation 1429116 (VCV001429116.8), dbSNP rs1240465508, ClinGen allele CA337815642.